The following is an entry in ClinVar:

NM_014989.7(RIMS1):c.308G>A (p.Arg103Gln)

Gene: RIMS1 (regulating synaptic membrane exocytosis 1; plus strand). Cytogenetic location: 6q13.
Variant type: single nucleotide variant.
Coding change: c.308G>A on transcript NM_014989.7 (MANE Select); coding-DNA position 308, G replaced by A.
Protein change: p.Arg103Gln; replaces arginine 103 with glutamine.
Molecular consequence: missense variant.
Genome position (GRCh38, 1-based): chr6:72,097,011, G>A. VCF-style: chr6-72097011-G-A. GRCh37 (hg19) VCF-style: chr6-72806714-G-A.
Other names: c.305G>A, p.Arg102Gln (NM_001350411.1); c.227G>A, p.Arg76Gln (NM_001350412.1); c.308G>A, p.Arg103Gln (NM_001350413.1); c.308G>A (NM_014989.4); short protein forms R102Q, R103Q, R76Q.
Identifiers: ClinVar variation 1016437 (VCV001016437.7), dbSNP rs771165778, ClinGen allele CA3885456.

ClinVar aggregate classification (germline): Uncertain significance. Review status: criteria provided, multiple submitters, no conflicts (2 of 4 stars). 2 submissions from 2 submitters: Uncertain significance (2). Last evaluated 2025-06-09.

Allele frequency attached by ClinVar (database versions not stated): gnomAD exomes 0.00001 and 0.00002; TOPMed 0.00002; ExAC 0.00003.
gnomAD v4.1: 37 of 1,613,764 alleles (0.0023%); highest among the groups gnomAD compares: East Asian, 0.0045%; no homozygotes.

Submissions (2):

Ambry Genetics
Classification: Uncertain significance. Last evaluated: 2025-06-09. Review status: criteria provided, single submitter. Criteria: Ambry Variant Classification Scheme 2023. Collection method: clinical testing. Allele origin: germline.

Labcorp Genetics (formerly Invitae), Labcorp
Classification: Uncertain significance. Last evaluated: 2024-06-30. Review status: criteria provided, single submitter. Criteria: Invitae Variant Classification Sherloc (09022015). Collection method: clinical testing. Allele origin: germline.
Comment: This sequence change replaces arginine, which is basic and polar, with glutamine, which is neutral and polar, at codon 103 of the RIMS1 protein (p.Arg103Gln). This variant is present in population databases (rs771165778, gnomAD 0.006%). This variant has not been reported in the literature in individuals affected with RIMS1-related conditions. ClinVar contains an entry for this variant (Variation ID: 1016437). An algorithm developed to predict the effect of missense changes on protein structure and function (PolyPhen-2) suggests that this variant is likely to be disruptive. In summary, the available evidence is currently insufficient to determine the role of this variant in disease. Therefore, it has been classified as a Variant of Uncertain Significance.